The following is an entry in ClinVar:

ClinVar aggregate classification (germline): Uncertain significance (1 of 4 stars; one submission).

Conditions:
Gorlin syndrome. Also called: Nevoid Basal Cell Carcinoma Syndrome; Basal cell nevus syndrome. Identifiers: Orphanet 377, MedGen C0004779, MONDO:0007187.

Submission:

Labcorp Genetics (formerly Invitae), Labcorp
Classification: Uncertain significance for Gorlin syndrome. Last evaluated: 2020-09-15. Review status: criteria provided, single submitter. Criteria: Invitae Variant Classification Sherloc (09022015). Collection method: clinical testing. Allele origin: germline.
Comment: Algorithms developed to predict the effect of missense changes on protein structure and function are either unavailable or do not agree on the potential impact of this missense change (SIFT: "Tolerated"; PolyPhen-2: "Probably Damaging"; Align-GVGD: "Class C0"). This variant has been observed in individual(s) with basal cell nevus syndrome (Invitae). This variant is not present in population databases (ExAC no frequency). This sequence change replaces methionine with arginine at codon 449 of the PTCH1 protein (p.Met449Arg). The methionine residue is moderately conserved and there is a moderate physicochemical difference between methionine and arginine. Algorithms developed to predict the effect of sequence changes on RNA splicing suggest that this variant may create or strengthen a splice site, but this prediction has not been confirmed by published transcriptional studies. In summary, the available evidence is currently insufficient to determine the role of this variant in disease. Therefore, it has been classified as a Variant of Uncertain Significance.

NM_000264.5(PTCH1):c.1346T>G (p.Met449Arg)

Gene: PTCH1 (patched 1; minus strand). Cytogenetic location: 9q22.32.
Variant type: single nucleotide variant.
Coding change: c.1346T>G on transcript NM_000264.5 (MANE Select); coding-DNA position 1346, T replaced by G.
Protein change: p.Met449Arg; replaces methionine 449 with arginine.
Molecular consequence: missense variant. On other transcripts: non-coding transcript variant (1).
Genome position (GRCh38, 1-based): chr9:95,478,056, A>C on the plus strand (T>G on the coding strand, the complement: PTCH1 is on the minus strand). VCF-style: chr9-95478056-A-C. GRCh37 (hg19) VCF-style: chr9-98240338-A-C.
Other names: c.1148T>G, p.Met383Arg (NM_001083602.3); c.1343T>G, p.Met448Arg (NM_001083603.3); c.893T>G, p.Met298Arg (NM_001083604.3, NM_001083605.3, NM_001083606.3 and 1 more transcripts); c.1346T>G, p.Met449Arg (NM_001354918.2); short protein forms M383R, M448R, M449R, M298R.
Identifiers: ClinVar variation 1042955 (VCV001042955.9), dbSNP rs1841214843, ClinGen allele CA374118700.